The following is an entry in ClinVar:

NM_001005388.3(NFASC):c.2823C>T (p.Gly941=)

Gene: NFASC (neurofascin; plus strand). Cytogenetic location: 1q32.1.
Variant type: single nucleotide variant.
Coding change: c.2823C>T on transcript NM_001005388.3 (MANE Select); coding-DNA position 2823, C replaced by T.
Protein change: p.Gly941=; no amino-acid change (glycine 941 retained).
Molecular consequence: synonymous variant. On other transcripts: intron variant (4).
Genome position (GRCh38, 1-based): chr1:204,997,210, C>T. VCF-style: chr1-204997210-C-T. GRCh37 (hg19) VCF-style: chr1-204966338-C-T.
Other names: c.3144C>T, p.Gly1048= (NM_001378329.1); c.3091+5904C>T (NM_001160332.2); c.3076+8404C>T (NM_015090.4); c.2755+8404C>T (NM_001365986.1); c.3136+5904C>T (NM_001160331.2).
Identifiers: ClinVar variation 3039664 (VCV003039664.17), dbSNP rs531123483, ClinGen allele CA1350531.

ClinVar aggregate classification (germline): Likely benign. Review status: criteria provided, multiple submitters, no conflicts (2 of 4 stars). 3 submissions from 3 submitters: Likely benign (2). 1 of the submissions does not count toward it. Last evaluated 2024-11-01.

Conditions:
NFASC-related disorder. Also called: NFASC-related condition.

Allele frequency attached by ClinVar (database versions not stated): TOPMed 0.00005; gnomAD 0.00011; 1000 Genomes Project 30x 0.00016; 1000 Genomes Project 0.00020; ExAC 0.00028.
gnomAD v4.1: 282 of 1,613,794 alleles (0.017%); highest among the groups gnomAD compares: South Asian, 0.25%; 3 homozygotes.

Submissions (3):

CeGaT Center for Human Genetics Tuebingen
Classification: Likely benign. Last evaluated: 2024-11-01. Review status: criteria provided, single submitter. Criteria: CeGaT Center For Human Genetics Tuebingen Variant Classification Criteria Version 2. Collection method: clinical testing. Allele origin: germline. Affected: yes. Observed: 1 variant allele.
Comment: NFASC: BP4, BP7

Blueprint Genetics
Classification: Likely benign. Last evaluated: 2023-09-04. Review status: criteria provided, single submitter. Criteria: ACMG Guidelines, 2015. Collection method: clinical testing. Allele origin: germline.

PreventionGenetics, part of Exact Sciences
Classification: Likely benign for NFASC-related condition. Last evaluated: 2019-05-21. Review status: no assertion criteria provided. Collection method: clinical testing. Allele origin: germline. Not counted in ClinVar's aggregate classification.
Comment: This variant is classified as likely benign based on ACMG/AMP sequence variant interpretation guidelines (Richards et al. 2015 PMID: 25741868, with internal and published modifications).